The following is an entry in ClinVar:

NM_004560.4(ROR2):c.2233C>T (p.Arg745Trp)

Gene: ROR2 (receptor tyrosine kinase like orphan receptor 2; minus strand). Cytogenetic location: 9q22.31.
Variant type: single nucleotide variant.
Coding change: c.2233C>T on transcript NM_004560.4 (MANE Select); coding-DNA position 2233, C replaced by T.
Protein change: p.Arg745Trp; replaces arginine 745 with tryptophan.
Molecular consequence: missense variant.
Genome position (GRCh38, 1-based): chr9:91,724,261, G>A on the plus strand (C>T on the coding strand, the complement: ROR2 is on the minus strand). VCF-style: chr9-91724261-G-A. GRCh37 (hg19) VCF-style: chr9-94486543-G-A.
Other names: short protein forms R745W.
Identifiers: ClinVar variation 1354796 (VCV001354796.8), dbSNP rs749323904, ClinGen allele CA5120445.

ClinVar aggregate classification (germline): Uncertain significance (1 of 4 stars; one submission).

Allele frequency attached by ClinVar (database versions not stated): ExAC 0.00001; gnomAD exomes 0.00001; TOPMed 0.00002.
gnomAD v4.1: 10 of 1,613,488 alleles (0.00062%); highest among the groups gnomAD compares: East Asian, 0.0045%; no homozygotes.

Submission:

Labcorp Genetics (formerly Invitae), Labcorp
Classification: Uncertain significance. Last evaluated: 2025-12-01. Review status: criteria provided, single submitter. Criteria: Invitae Variant Classification Sherloc (09022015). Collection method: clinical testing. Allele origin: germline.
Comment: This sequence change replaces arginine, which is basic and polar, with tryptophan, which is neutral and slightly polar, at codon 745 of the ROR2 protein (p.Arg745Trp). This variant is not present in population databases (gnomAD no frequency). This variant has not been reported in the literature in individuals affected with ROR2-related conditions. ClinVar contains an entry for this variant (Variation ID: 1354796). Invitae Evidence Modeling of protein sequence and biophysical properties (such as structural, functional, and spatial information, amino acid conservation, physicochemical variation, residue mobility, and thermodynamic stability) indicates that this missense variant is expected to disrupt ROR2 protein function with a positive predictive value of 80%. In summary, the available evidence is currently insufficient to determine the role of this variant in disease. Therefore, it has been classified as a Variant of Uncertain Significance.